The following is an entry in ClinVar:

NM_000540.3(RYR1):c.901G>C (p.Val301Leu)

Gene: RYR1 (ryanodine receptor 1; plus strand). Cytogenetic location: 19q13.2.
Variant type: single nucleotide variant.
Coding change: c.901G>C on transcript NM_000540.3 (MANE Select); coding-DNA position 901, G replaced by C.
Protein change: p.Val301Leu; replaces valine 301 with leucine.
Molecular consequence: missense variant.
Genome position (GRCh38, 1-based): chr19:38,448,455, G>C. VCF-style: chr19-38448455-G-C. GRCh37 (hg19) VCF-style: chr19-38939095-G-C.
Other names: c.901G>C, p.Val301Leu (NM_001042723.2); short protein forms V301L.
Identifiers: ClinVar variation 2780425 (VCV002780425.2), dbSNP rs1412854550, ClinGen allele CA405682023.
Genomic context (GRCh38, chr19:38,448,455, plus strand): 5'-GTCCGGCATGTCACTACCGGGCAGTACCTAGCGCTCACCGAGGACCAGGGCCTGGTGGTG[G>C]TTGACGCCAGCAAGGCTCACACCAAGGCTACCTCCTTCTGCTTCCGCATCTCCAAGGTCA-3'
Protein context (NP_000531.2, residues 291-311): ALTEDQGLVV[Val301Leu]DASKAHTKAT

ClinVar aggregate classification (germline): Uncertain significance. Review status: criteria provided, multiple submitters, no conflicts (2 of 4 stars). 2 submissions from 2 submitters: Uncertain significance (2). Last evaluated 2026-07-06.

Conditions:
Inborn genetic diseases. Identifiers: MedGen C0950123, MeSH D030342.
RYR1-related disorder. Also called: RYR1-related condition; RYR1-related disorders. Identifiers: MedGen CN239331.

Allele frequency attached by ClinVar (database versions not stated): gnomAD 0.00001.
gnomAD v4.1: 1 of 1,613,758 alleles (0.000062%); highest among the groups gnomAD compares: Non-Finnish European, 0.000085%; no homozygotes.

Submissions (2):

Ambry Genetics
Classification: Uncertain significance for Inborn genetic diseases. Last evaluated: 2026-07-06. Review status: criteria provided, single submitter. Criteria: Ambry Variant Classification Scheme 2023. Collection method: clinical testing. Allele origin: germline.
Comment: The p.V301L variant (also known as c.901G>C), located in coding exon 10 of the RYR1 gene, results from a G to C substitution at nucleotide position 901. The valine at codon 301 is replaced by leucine, an amino acid with highly similar properties. This amino acid position is conserved. In addition, this alteration is predicted to be tolerated by in silico analysis. Based on the available evidence, the clinical significance of this variant remains unclear.

Labcorp Genetics (formerly Invitae), Labcorp
Classification: Uncertain significance for RYR1-related disorder. Last evaluated: 2023-12-30. Review status: criteria provided, single submitter. Criteria: Invitae Variant Classification Sherloc (09022015). Collection method: clinical testing. Allele origin: germline.
Comment: This sequence change replaces valine, which is neutral and non-polar, with leucine, which is neutral and non-polar, at codon 301 of the RYR1 protein (p.Val301Leu). This variant is present in population databases (no rsID available, gnomAD 0.0009%). This variant has not been reported in the literature in individuals affected with RYR1-related conditions. Advanced modeling of protein sequence and biophysical properties (such as structural, functional, and spatial information, amino acid conservation, physicochemical variation, residue mobility, and thermodynamic stability) performed at Invitae indicates that this missense variant is not expected to disrupt RYR1 protein function with a negative predictive value of 95%. In summary, the available evidence is currently insufficient to determine the role of this variant in disease. Therefore, it has been classified as a Variant of Uncertain Significance.